The following is an entry in ClinVar:

ClinVar aggregate classification (germline): Uncertain significance (1 of 4 stars; one submission).

Conditions:
Dilated cardiomyopathy 1G (CMD1G). Identifiers: Orphanet 154, MedGen C1858763, MONDO:0011400, OMIM 604145.
Autosomal recessive limb-girdle muscular dystrophy type 2J (LGMDR10). Also called: MUSCULAR DYSTROPHY, LIMB-GIRDLE, AUTOSOMAL RECESSIVE 10; Limb-girdle muscular dystrophy, type 2J. Identifiers: Orphanet 140922, MedGen C1837342, MONDO:0012127, OMIM 608807.

Allele frequency attached by ClinVar (database versions not stated): gnomAD exomes below 0.00001; TOPMed 0.00001; ExAC 0.00002.
gnomAD v4.1: 2 of 1,598,374 alleles (0.00013%); highest among the groups gnomAD compares: East Asian, 0.0045%; no homozygotes.

Submission:

Labcorp Genetics (formerly Invitae), Labcorp
Classification: Uncertain significance for Dilated cardiomyopathy 1G; Autosomal recessive limb-girdle muscular dystrophy type 2J. Last evaluated: 2023-11-19. Review status: criteria provided, single submitter. Criteria: Invitae Variant Classification Sherloc (09022015). Collection method: clinical testing. Allele origin: germline.
Comment: This sequence change replaces lysine, which is basic and polar, with asparagine, which is neutral and polar, at codon 35455 of the TTN protein (p.Lys35455Asn). This variant is present in population databases (rs757588041, gnomAD 0.01%). This variant has not been reported in the literature in individuals affected with TTN-related conditions. Experimental studies and prediction algorithms are not available or were not evaluated, and the functional significance of this variant is currently unknown. This variant is located in the M band of TTN (PMID: 25589632). Variants in this region may be relevant for neuromuscular disorders, but have not been definitively shown to cause cardiomyopathy (PMID: 23975875). In summary, the available evidence is currently insufficient to determine the role of this variant in disease. Therefore, it has been classified as a Variant of Uncertain Significance.

Literature cited by the submitters: PubMed 25589632; PubMed 23975875.

NM_001267550.2(TTN):c.106365A>C (p.Lys35455Asn)

Genes: TTN (titin; minus strand), TTN-AS1 (TTN antisense RNA 1; plus strand). Cytogenetic location: 2q31.2.
Variant type: single nucleotide variant.
Coding change: c.106365A>C on transcript NM_001267550.2 (MANE Select); coding-DNA position 106365, A replaced by C.
Protein change: p.Lys35455Asn; replaces lysine 35455 with asparagine.
Molecular consequence: missense variant.
Genome position (GRCh38, 1-based): chr2:178,530,250, T>G on the plus strand (A>C on the coding strand, the complement: TTN is on the minus strand). VCF-style: chr2-178530250-T-G. GRCh37 (hg19) VCF-style: chr2-179394977-T-G.
Other names: c.101442A>C, p.Lys33814Asn (NM_001256850.1); c.79170A>C, p.Lys26390Asn (NM_003319.4); c.98661A>C, p.Lys32887Asn (NM_133378.4); c.79545A>C, p.Lys26515Asn (NM_133432.3); c.79746A>C, p.Lys26582Asn (NM_133437.4); short protein forms K26515N, K26582N, K33814N, K26390N, K35455N, K32887N.
Identifiers: ClinVar variation 2929863 (VCV002929863.3), dbSNP rs757588041, ClinGen allele CA1985124.